The following is an entry in ClinVar:

NM_001379500.1(COL18A1):c.2786G>A (p.Gly929Asp)

Genes: SLC19A1 (solute carrier family 19 member 1; minus strand), COL18A1 (collagen type XVIII alpha 1 chain; plus strand). Cytogenetic location: 21q22.3.
Variant type: single nucleotide variant.
Coding change: c.2786G>A on transcript NM_001379500.1 (MANE Select); coding-DNA position 2786, G replaced by A.
Protein change: p.Gly929Asp; replaces glycine 929 with aspartic acid.
Molecular consequence: missense variant.
Genome position (GRCh38, 1-based): chr21:45,504,474, G>A. VCF-style: chr21-45504474-G-A. GRCh37 (hg19) VCF-style: chr21-46924388-G-A.
Other names: c.3326G>A, p.Gly1109Asp (NM_030582.4); c.4031G>A, p.Gly1344Asp (NM_130444.3); short protein forms G1109D, G1344D, G929D.
Identifiers: ClinVar variation 1490023 (VCV001490023.3), dbSNP rs777793657, ClinGen allele CA10067468.

ClinVar aggregate classification (germline): Uncertain significance (1 of 4 stars; one submission).

Allele frequency attached by ClinVar (database versions not stated): gnomAD exomes below 0.00001; TOPMed below 0.00001; ExAC 0.00001.
gnomAD v4.1: 1 of 1,607,744 alleles (0.000062%); highest among the groups gnomAD compares: Non-Finnish European, 0.000085%; no homozygotes.

Submission:

Labcorp Genetics (formerly Invitae), Labcorp
Classification: Uncertain significance. Last evaluated: 2021-11-05. Review status: criteria provided, single submitter. Criteria: Invitae Variant Classification Sherloc (09022015). Collection method: clinical testing. Allele origin: germline.
Comment: This sequence change replaces glycine, which is neutral and non-polar, with aspartic acid, which is acidic and polar, at codon 929 of the COL18A1 protein (p.Gly929Asp). This variant is present in population databases (rs777793657, gnomAD 0.001%). This variant has not been reported in the literature in individuals affected with COL18A1-related conditions. Experimental studies and prediction algorithms are not available or were not evaluated, and the functional significance of this variant is currently unknown. In summary, the available evidence is currently insufficient to determine the role of this variant in disease. Therefore, it has been classified as a Variant of Uncertain Significance.